The following is an entry in ClinVar:

ClinVar aggregate classification (germline): Uncertain significance (1 of 4 stars; one submission).

Conditions:
Granulomatous disease, chronic, autosomal recessive, cytochrome b-negative. Also called: Chronic granulomatous disease, autosomal, due to deficiency of CYBA; CGD DUE TO DEFICIENCY OF THE ALPHA SUBUNIT OF CYTOCHROME b; CGD, AUTOSOMAL RECESSIVE CYTOCHROME b-NEGATIVE; CYBA DEFICIENCY; GRANULOMATOUS DISEASE, CHRONIC, AUTOSOMAL RECESSIVE, 4. Identifiers: Orphanet 379, MedGen C1856255, MONDO:0009308, OMIM 233690.

Allele frequency attached by ClinVar (database versions not stated): gnomAD exomes below 0.00001.

Submission:

Labcorp Genetics (formerly Invitae), Labcorp
Classification: Uncertain significance for Granulomatous disease, chronic, autosomal recessive, cytochrome b-negative. Last evaluated: 2021-09-17. Review status: criteria provided, single submitter. Criteria: Invitae Variant Classification Sherloc (09022015). Collection method: clinical testing. Allele origin: germline.
Comment: This sequence change replaces arginine with cysteine at codon 127 of the CYBA protein (p.Arg127Cys). The arginine residue is moderately conserved and there is a large physicochemical difference between arginine and cysteine. The frequency data for this variant in the population databases is considered unreliable, as metrics indicate insufficient coverage at this position in the ExAC database. This variant has not been reported in the literature in individuals with CYBA-related conditions. Algorithms developed to predict the effect of missense changes on protein structure and function are either unavailable or do not agree on the potential impact of this missense change (SIFT: "Deleterious"; PolyPhen-2: "Probably Damaging"; Align-GVGD: "Class C0"). In summary, the available evidence is currently insufficient to determine the role of this variant in disease. Therefore, it has been classified as a Variant of Uncertain Significance.

NM_000101.4(CYBA):c.379C>T (p.Arg127Cys)

Gene: CYBA (cytochrome b-245 alpha chain; minus strand). Cytogenetic location: 16q24.2.
Variant type: single nucleotide variant.
Coding change: c.379C>T on transcript NM_000101.4 (MANE Select); coding-DNA position 379, C replaced by T.
Protein change: p.Arg127Cys; replaces arginine 127 with cysteine.
Molecular consequence: missense variant.
Genome position (GRCh38, 1-based): chr16:88,643,562, G>A on the plus strand (C>T on the coding strand, the complement: CYBA is on the minus strand). VCF-style: chr16-88643562-G-A. GRCh37 (hg19) VCF-style: chr16-88709970-G-A.
Other names: short protein forms R127C.
Identifiers: ClinVar variation 1910418 (VCV001910418.2), dbSNP rs1471892749, ClinGen allele CA397058086.